The following is an entry in ClinVar:

ClinVar aggregate classification (germline): Uncertain significance. Review status: reviewed by expert panel (3 of 4 stars). 2 submissions from 2 submitters: Uncertain significance (1). 1 of the submissions does not count toward it. Last evaluated 2026-09-26.

Conditions:
Juvenile retinoschisis (RS1). Also called: X-linked retinoschisis; X-Linked Juvenile Retinoschisis. Identifiers: Orphanet 792, MedGen C3714753, MONDO:0010725, OMIM 312700.

Submissions (2):

ClinGen X-linked Inherited Retinal Disease Variant Curation Expert Panel, ClinGen
Classification: Uncertain significance for Juvenile retinoschisis. Last evaluated: 2026-09-26. Review status: reviewed by expert panel. Criteria: ClinGen X LinkedIRD ACMG Specifications RS1 V1.0.0. Collection method: curation. Allele origin: germline. Inheritance: X-linked inheritance.
Comment: The NM_000330.4(RS1):c.274T>G (p.Trp92Gly) variant is a missense variant encoding the substitution of Tryptophane and Glycine at amino acid 92. This variant is absent from hemizygous individuals in gnomAD v4.1.0 (PM2_Supporting). The computational predictor REVEL gives a score of 0.9, which is within the ClinGen X-linked IRD VCEP range between 0.931 and 0.773 and predicts a damaging effect on RS1 function (PP3_moderate). The computational splicing predictor SpliceAI gives a delta score of 0.01 for acceptor gain, which is below the ClinGen X-linked IRD VCEP threshold of >0.2 and does not predict that the variant disrupts RS1 splicing. Another missense variant in the same codon, NM_000330.4(RS1):c.276G>C (p.Trp92Cys), (PMIDs: 9760195, 10636421, 28348004, 28272453, 31106028, 33608557, 34624300, 20809529) has been classified as pathogenic for [MONDO disease name] by the ClinGen X-linked IRD VCEP, while no benign missense variants have been identified in this codon. The present variant has a lower Grantham’s distance (189) than the comparison variant (215), and therefore, the PM5 code does not meet. This variant has been reported in at least 2 apparently unrelated probands meeting one of the PS4 requirements of a male diagnosed with XLRS (PMIDs: 20238027, DOI 10.1134/S1022795421070139, PS4_Supporting). The variant has been reported to segregate with retinal dystrophy through two brothers (PP1; PMID: 20238027). In summary, this variant is classified as likely pathogenic for X-linked retinoschisis based on the ClinGen X-linked Inherited Retinal Disease Expert Panel Specifications to the ACMG/AMP Variant Interpretation Guidelines for RS1 Version 1.0.0: PM2_Supporting, PP3_Strong, PS4_Supporting, and PP1.

Labcorp Genetics (formerly Invitae), Labcorp
Classification: Pathogenic. Last evaluated: 2024-03-11. Review status: criteria provided, single submitter. Criteria: Invitae Variant Classification Sherloc (09022015). Collection method: clinical testing. Allele origin: germline. Not counted in ClinVar's aggregate classification.
Comment: This sequence change replaces tryptophan, which is neutral and slightly polar, with glycine, which is neutral and non-polar, at codon 92 of the RS1 protein (p.Trp92Gly). This variant is not present in population databases (gnomAD no frequency). This missense change has been observed in individuals with X-linked retinoschisis (PMID: 20238027; Invitae). This variant is also known as 289T>G (W92G). ClinVar contains an entry for this variant (Variation ID: 1066910). Advanced modeling of protein sequence and biophysical properties (such as structural, functional, and spatial information, amino acid conservation, physicochemical variation, residue mobility, and thermodynamic stability) performed at Invitae indicates that this missense variant is expected to disrupt RS1 protein function with a positive predictive value of 95%. This variant disrupts the p.Trp92 amino acid residue in RS1. Other variant(s) that disrupt this residue have been determined to be pathogenic (PMID: 9760195, 10636421, 16361673, 20061330, 28272453). This suggests that this residue is clinically significant, and that variants that disrupt this residue are likely to be disease-causing. For these reasons, this variant has been classified as Pathogenic.

Literature cited by the submitters: PubMed 20238027 (cited by Labcorp Genetics (formerly Invitae), Labcorp); PubMed 9760195 (cited by Labcorp Genetics (formerly Invitae), Labcorp); PubMed 10636421 (cited by Labcorp Genetics (formerly Invitae), Labcorp); PubMed 16361673 (cited by Labcorp Genetics (formerly Invitae), Labcorp); PubMed 20061330 (cited by Labcorp Genetics (formerly Invitae), Labcorp); PubMed 28272453 (cited by Labcorp Genetics (formerly Invitae), Labcorp).

NM_000330.4(RS1):c.274T>G (p.Trp92Gly)

Genes: CDKL5 (cyclin dependent kinase like 5; plus strand), RS1 (retinoschisin 1; minus strand). Cytogenetic location: Xp22.13.
Variant type: single nucleotide variant.
Coding change: c.274T>G on transcript NM_000330.4 (MANE Select); coding-DNA position 274, T replaced by G.
Protein change: p.Trp92Gly; replaces tryptophan 92 with glycine.
Molecular consequence: missense variant. On other transcripts: intron variant (2).
Genome position (GRCh38, 1-based): chrX:18,647,243, A>C on the plus strand (T>G on the coding strand, the complement: RS1 is on the minus strand). VCF-style: chrX-18647243-A-C. GRCh37 (hg19) VCF-style: chrX-18665363-A-C.
Other names: NM_000330.4(RS1):c.274T>G; p.Trp92Gly; c.2797+1153A>C (NM_003159.3, NM_001037343.2); short protein forms W92G.
Identifiers: ClinVar variation 1066910 (VCV001066910.10), dbSNP rs2147194007, ClinGen allele CA412372816.
Genomic context (GRCh38, chrX:18,647,243, plus strand): 5'-CTGCTTACCCAAAGCCTTGACTGTTGAGCCGGGCCTTGTTTGCAGTCCACGAAGAATACC[A>C]GCCCACATACTGCTCCGGGTTAGAGCAGGTGATCTGGTCCGGTGTGACCTCCCCTGACTC-3'
Protein context (NP_000321.1, residues 82-102): TCSNPEQYVG[Trp92Gly]YSSWTANKAR